The following is an entry in ClinVar:

ClinVar aggregate classification (germline): Likely pathogenic (1 of 4 stars; one submission).

Conditions:
Joubert syndrome 23 (JBTS23). Identifiers: Orphanet 475, MedGen C4084822, MONDO:0014664, OMIM 616490.
Short-rib thoracic dysplasia 14 with polydactyly (SRTD14). Identifiers: Orphanet 397715, MedGen C4225286, MONDO:0014688, OMIM 616546.

Allele frequency attached by ClinVar (database versions not stated): TOPMed below 0.00001; gnomAD 0.00001.

Submission:

Labcorp Genetics (formerly Invitae), Labcorp
Classification: Likely pathogenic for Joubert syndrome 23; Short-rib thoracic dysplasia 14 with polydactyly. Last evaluated: 2022-02-24. Review status: criteria provided, single submitter. Criteria: Invitae Variant Classification Sherloc (09022015). Collection method: clinical testing. Allele origin: germline.
Comment: In summary, the currently available evidence indicates that the variant is pathogenic, but additional data are needed to prove that conclusively. Therefore, this variant has been classified as Likely Pathogenic. Algorithms developed to predict the effect of sequence changes on RNA splicing suggest that this variant may disrupt the consensus splice site. This variant has not been reported in the literature in individuals affected with KIAA0586-related conditions. This variant is present in population databases (no rsID available, gnomAD 0.01%). This sequence change affects an acceptor splice site in intron 15 of the KIAA0586 gene. It is expected to disrupt RNA splicing. Variants that disrupt the donor or acceptor splice site typically lead to a loss of protein function (PMID: 16199547), and loss-of-function variants in KIAA0586 are known to be pathogenic (PMID: 26096313, 26166481, 26386044).

Literature cited by the submitters: PubMed 16199547; PubMed 26096313; PubMed 26166481; PubMed 26386044.

NM_001329943.3(KIAA0586):c.1885-2A>G

Gene: KIAA0586 (KIAA0586; plus strand). Cytogenetic location: 14q23.1.
Variant type: single nucleotide variant.
Coding change: c.1885-2A>G on transcript NM_001329943.3 (MANE Select); the canonical splice acceptor site of the intron before coding-DNA position 1885, A replaced by G.
Molecular consequence: splice acceptor variant.
Genome position (GRCh38, 1-based): chr14:58,460,984, A>G. VCF-style: chr14-58460984-A-G. GRCh37 (hg19) VCF-style: chr14-58927702-A-G.
Other names: c.2044-2A>G (NM_001244189.2); c.1840-2A>G (NM_001244190.2); c.1753-2A>G (NM_001244192.2); c.1630-2A>G (NM_001244191.2, NM_001364701.2, NM_001329945.2 and 1 more transcripts); c.1885-2A>G (NM_001329944.2, NM_001329946.2, NM_001329947.2); c.1657-2A>G (NM_014749.5); c.1465-2A>G (NM_001244193.2).
Identifiers: ClinVar variation 1519936 (VCV001519936.8), dbSNP rs1431898844, ClinGen allele CA389872089.